The following is an entry in ClinVar:

ClinVar aggregate classification (germline): Likely benign (1 of 4 stars; one submission).

Allele frequency attached by ClinVar (database versions not stated): gnomAD exomes below 0.00001.
gnomAD v4.1: 1 of 1,609,420 alleles (0.000062%); highest among the groups gnomAD compares: East Asian, 0.0022%; no homozygotes.

Submission:

GeneDx
Classification: Likely benign. Last evaluated: 2018-05-17. Review status: criteria provided, single submitter. Criteria: GeneDx Variant Classification (06012015). Collection method: clinical testing. Allele origin: germline. Affected: yes.
Comment: This variant is considered likely benign or benign based on one or more of the following criteria: it is a conservative change, it occurs at a poorly conserved position in the protein, it is predicted to be benign by multiple in silico algorithms, and/or has population frequency not consistent with disease.

NM_001844.5(COL2A1):c.709-16C>A

Gene: COL2A1 (collagen type II alpha 1 chain; minus strand). Cytogenetic location: 12q13.11.
Variant type: single nucleotide variant.
Coding change: c.709-16C>A on transcript NM_001844.5 (MANE Select); 16 bases into the intron before coding-DNA position 709, C replaced by A.
Molecular consequence: intron variant.
Genome position (GRCh38, 1-based): chr12:47,995,324, G>T on the plus strand (C>A on the coding strand, the complement: COL2A1 is on the minus strand). VCF-style: chr12-47995324-G-T. GRCh37 (hg19) VCF-style: chr12-48389107-G-T.
Other names: c.502-16C>A (NM_033150.3).
Identifiers: ClinVar variation 668347 (VCV000668347.1), dbSNP rs1434955965, ClinGen allele CA604838702.
Genomic context (GRCh38, chr12:47,995,324, plus strand): 5'-AGGCTTTCCAGGGGGACCAGGAGGACCACGGGGACCCATGGGACCCTACAAACAAAGGAA[G>T]ATAGTTTAAGAGATGGTTATAGTGGGAAGACACCTAAGCAATGGACAAAACTTTGACATT-3'